The following is an entry in ClinVar:

ClinVar aggregate classification (germline): Uncertain significance (1 of 4 stars; one submission).

Conditions:
Hereditary cancer-predisposing syndrome. Also called: Neoplastic Syndromes, Hereditary; Hereditary Cancer Syndrome; Tumor predisposition; Hereditary neoplastic syndrome. Identifiers: Orphanet 140162, MedGen C0027672, MeSH D009386, MONDO:0015356.

Submission:

Ambry Genetics
Classification: Uncertain significance for Hereditary cancer-predisposing syndrome. Last evaluated: 2025-01-11. Review status: criteria provided, single submitter. Criteria: Ambry Variant Classification Scheme 2023. Collection method: clinical testing. Allele origin: germline.
Comment: The p.P589H variant (also known as c.1766C>A), located in coding exon 16 of the POLE gene, results from a C to A substitution at nucleotide position 1766. The proline at codon 589 is replaced by histidine, an amino acid with similar properties. This amino acid position is conserved. In addition, the in silico prediction for this alteration is inconclusive. Based on the available evidence, the clinical significance of this variant remains unclear.

NM_006231.4(POLE):c.1766C>A (p.Pro589His)

Gene: POLE (DNA polymerase epsilon, catalytic subunit; minus strand). Cytogenetic location: 12q24.33.
Variant type: single nucleotide variant.
Coding change: c.1766C>A on transcript NM_006231.4 (MANE Select); coding-DNA position 1766, C replaced by A.
Protein change: p.Pro589His; replaces proline 589 with histidine.
Molecular consequence: missense variant.
Genome position (GRCh38, 1-based): chr12:132,672,243, G>T on the plus strand (C>A on the coding strand, the complement: POLE is on the minus strand). VCF-style: chr12-132672243-G-T. GRCh37 (hg19) VCF-style: chr12-133248829-G-T.
Other names: short protein forms P589H.
Identifiers: ClinVar variation 3781506 (VCV003781506.1).